The following is an entry in ClinVar:

ClinVar aggregate classification (germline): Conflicting classifications of pathogenicity. Review status: criteria provided, conflicting classifications (1 of 4 stars). 13 submissions from 13 submitters: Uncertain significance (2); Benign (2); Likely benign (9). Last evaluated 2026-02-02.

Conditions:
BAP1-related disorder. Also called: BAP1-related condition.
Hereditary cancer-predisposing syndrome. Also called: Tumor predisposition; Hereditary Cancer Syndrome; Neoplastic Syndromes, Hereditary; Hereditary neoplastic syndrome. Identifiers: Orphanet 140162, MedGen C0027672, MeSH D009386, MONDO:0015356.
BAP1-related tumor predisposition syndrome (TPDS1). Also called: BAP1 tumor predisposition syndrome; Tumor susceptibility linked to germline BAP1 mutations; COMMON Syndrome; TUMOR PREDISPOSITION SYNDROME 1. Identifiers: Orphanet 289539, MedGen C3280492, MONDO:0013692, OMIM 614327.

Allele frequency attached by ClinVar (database versions not stated): gnomAD exomes 0.00001 and 0.00003; ExAC 0.00002; gnomAD 0.00003 and 0.00004; TOPMed 0.00006.
gnomAD v4.1: 86 of 1,613,876 alleles (0.0053%); highest among the groups gnomAD compares: East Asian, 0.02%; 1 homozygote.

Submissions (13):

Labcorp Genetics (formerly Invitae), Labcorp
Classification: Benign for BAP1-related tumor predisposition syndrome. Last evaluated: 2026-02-02. Review status: criteria provided, single submitter. Criteria: Invitae Variant Classification Sherloc (09022015). Collection method: clinical testing. Allele origin: germline.

Quest Diagnostics Nichols Institute San Juan Capistrano
Classification: Likely benign. Last evaluated: 2025-08-31. Review status: criteria provided, single submitter. Criteria: Quest Diagnostics criteria. Collection method: clinical testing. Allele origin: unknown.

PreventionGenetics, part of Exact Sciences
Classification: Likely benign for BAP1-related condition. Last evaluated: 2025-07-06. Review status: criteria provided, single submitter. Criteria: ACMG Guidelines, 2015. Collection method: clinical testing. Allele origin: germline.
Comment: This variant is classified as likely benign based on ACMG/AMP sequence variant interpretation guidelines (Richards et al. 2015 PMID: 25741868, with internal and published modifications).

Center for Genomic Medicine, Rigshospitalet, Copenhagen University Hospital
Classification: Likely benign. Last evaluated: 2025-03-04. Review status: criteria provided, single submitter. Criteria: ACMG Guidelines, 2015. Collection method: clinical testing. Allele origin: germline.

CeGaT Center for Human Genetics Tuebingen
Classification: Likely benign. Last evaluated: 2025-03-01. Review status: criteria provided, single submitter. Criteria: CeGaT Center For Human Genetics Tuebingen Variant Classification Criteria Version 2. Collection method: clinical testing. Allele origin: germline. Affected: yes. Observed: 2 variant alleles.
Comment: BAP1: BP4, BS1

Myriad Genetics, Inc.
Classification: Likely benign for BAP1-related tumor predisposition syndrome. Last evaluated: 2023-04-03. Review status: criteria provided, single submitter. Criteria: Myriad Autosomal Dominant, Autosomal Recessive and X-Linked Classification Criteria (2023). Collection method: clinical testing. Allele origin: unknown.
Comment: This variant is considered likely benign. Homozygosity has been confirmed in one or more individuals. As homozygosity for pathogenic variants in this gene is generally assumed to result in embryonic lethality, this variant is unlikely to be pathogenic.

Department of Pathology and Laboratory Medicine, Sinai Health System
Classification: Likely benign for BAP1-related tumor predisposition syndrome. Last evaluated: 2023-02-24. Review status: criteria provided, single submitter. Criteria: ACMG Guidelines, 2015. Collection method: clinical testing. Allele origin: germline. Affected: yes.

Sema4
Classification: Likely benign for Hereditary cancer-predisposing syndrome. Last evaluated: 2021-08-25. Review status: criteria provided, single submitter. Criteria: Sema4 Curation Guidelines. Collection method: curation. Allele origin: germline.

Color Diagnostics, LLC DBA Color Health
Classification: Likely benign for Hereditary cancer-predisposing syndrome. Last evaluated: 2020-07-13. Review status: criteria provided, single submitter. Criteria: ACMG Guidelines, 2015. Collection method: clinical testing. Allele origin: germline.

GeneDx
Classification: Likely benign. Last evaluated: 2020-03-13. Review status: criteria provided, single submitter. Criteria: GeneDx Variant Classification Process June 2021. Collection method: clinical testing. Allele origin: germline. Affected: yes.
Comment: This variant is associated with the following publications: (PMID: 25801821, 29636988, 27363283, 29122566)

Ambry Genetics
Classification: Benign for Hereditary cancer-predisposing syndrome. Last evaluated: 2019-03-11. Review status: criteria provided, single submitter. Criteria: Ambry Variant Classification Scheme 2023. Collection method: clinical testing. Allele origin: germline.

Fulgent Genetics
Classification: Uncertain significance for BAP1-related tumor predisposition syndrome. Last evaluated: 2018-10-31. Review status: criteria provided, single submitter. Criteria: ACMG Guidelines, 2015. Collection method: clinical testing. Allele origin: unknown.

Illumina Laboratory Services, Illumina
Classification: Uncertain significance for BAP1-related tumor predisposition syndrome. Last evaluated: 2018-01-12. Review status: criteria provided, single submitter. Criteria: ICSL Variant Classification Criteria 13 December 2019. Collection method: clinical testing. Allele origin: germline.

Literature cited by the submitters: PubMed 30480620 (cited by Quest Diagnostics Nichols Institute San Juan Capistrano and Sema4); PubMed 29636988 (cited by Quest Diagnostics Nichols Institute San Juan Capistrano); PubMed 29122566 (cited by Quest Diagnostics Nichols Institute San Juan Capistrano); PubMed 31761620 (cited by Quest Diagnostics Nichols Institute San Juan Capistrano); PubMed 38969833 (cited by Center for Genomic Medicine, Rigshospitalet, Copenhagen University Hospital).

NM_004656.4(BAP1):c.878C>T (p.Pro293Leu)

Gene: BAP1 (BRCA1 associated deubiquitinase 1; minus strand). Cytogenetic location: 3p21.1.
Variant type: single nucleotide variant.
Coding change: c.878C>T on transcript NM_004656.4 (MANE Select); coding-DNA position 878, C replaced by T.
Protein change: p.Pro293Leu; replaces proline 293 with leucine.
Molecular consequence: missense variant.
Genome position (GRCh38, 1-based): chr3:52,405,818, G>A on the plus strand (C>T on the coding strand, the complement: BAP1 is on the minus strand). VCF-style: chr3-52405818-G-A. GRCh37 (hg19) VCF-style: chr3-52439834-G-A.
Other names: c.878C>T (LRG_529t1); short protein forms P293L.
Identifiers: ClinVar variation 240068 (VCV000240068.56), dbSNP rs777664260, ClinGen allele CA2436979.